The following is an entry in ClinVar:

ClinVar aggregate classification (germline): Uncertain significance. Review status: criteria provided, multiple submitters, no conflicts (2 of 4 stars). 2 submissions from 2 submitters: Uncertain significance (2). Last evaluated 2025-07-16.

Conditions:
Hereditary cancer-predisposing syndrome. Also called: Hereditary neoplastic syndrome; Neoplastic Syndromes, Hereditary; Hereditary Cancer Syndrome; Tumor predisposition. Identifiers: Orphanet 140162, MedGen C0027672, MeSH D009386, MONDO:0015356.

Submissions (2):

Labcorp Genetics (formerly Invitae), Labcorp
Classification: Uncertain significance. Last evaluated: 2025-07-16. Review status: criteria provided, single submitter. Criteria: Invitae Variant Classification Sherloc (09022015). Collection method: clinical testing. Allele origin: germline.
Comment: This sequence change replaces glutamic acid, which is acidic and polar, with lysine, which is basic and polar, at codon 2272 of the POLE protein (p.Glu2272Lys). This variant is not present in population databases (gnomAD no frequency). This variant has not been reported in the literature in individuals affected with POLE-related conditions. ClinVar contains an entry for this variant (Variation ID: 1718837). Invitae Evidence Modeling of protein sequence and biophysical properties (such as structural, functional, and spatial information, amino acid conservation, physicochemical variation, residue mobility, and thermodynamic stability) indicates that this missense variant is not expected to disrupt POLE protein function with a negative predictive value of 80%. In summary, the available evidence is currently insufficient to determine the role of this variant in disease. Therefore, it has been classified as a Variant of Uncertain Significance.

Ambry Genetics
Classification: Uncertain significance for Hereditary cancer-predisposing syndrome. Last evaluated: 2024-03-29. Review status: criteria provided, single submitter. Criteria: Ambry Variant Classification Scheme 2023. Collection method: clinical testing. Allele origin: germline.
Comment: The p.E2272K variant (also known as c.6814G>A), located in coding exon 49 of the POLE gene, results from a G to A substitution at nucleotide position 6814. The glutamic acid at codon 2272 is replaced by lysine, an amino acid with similar properties. This amino acid position is conserved. In addition, the in silico prediction for this alteration is inconclusive. Since supporting evidence is limited at this time, the clinical significance of this alteration remains unclear.

NM_006231.4(POLE):c.6814G>A (p.Glu2272Lys)

Gene: POLE (DNA polymerase epsilon, catalytic subunit; minus strand). Cytogenetic location: 12q24.33.
Variant type: single nucleotide variant.
Coding change: c.6814G>A on transcript NM_006231.4 (MANE Select); coding-DNA position 6814, G replaced by A.
Protein change: p.Glu2272Lys; replaces glutamic acid 2272 with lysine.
Molecular consequence: missense variant.
Genome position (GRCh38, 1-based): chr12:132,624,744, C>T on the plus strand (G>A on the coding strand, the complement: POLE is on the minus strand). VCF-style: chr12-132624744-C-T. GRCh37 (hg19) VCF-style: chr12-133201330-C-T.
Other names: short protein forms E2272K.
Identifiers: ClinVar variation 1718837 (VCV001718837.9), dbSNP rs2138421834, ClinGen allele CA387365700.
Genomic context (GRCh38, chr12:132,624,744, plus strand): 5'-GGCCCGGGGCTGGCTAATGGCCCAGCTGTGGGTTCTTCTGCAGCAGCCACTCCAGGGTCT[C>T]CAGGAGGTACGACATGCCGTAGTGCTGGGCAATGTTCCGGAATATTCCGATCTGTTCCAT-3'
Protein context (NP_006222.2, residues 2262-2282): AQHYGMSYLL[Glu2272Lys]TLEWLLQKNP